The following is an entry in ClinVar:

ClinVar aggregate classification (germline): Likely benign. Review status: criteria provided, single submitter (1 of 4 stars). 2 submissions from 2 submitters: Likely benign (1). 1 of the submissions does not count toward it. Last evaluated 2026-01-19.

Conditions:
PKD2-related disorder. Also called: PKD2-related condition.
Autosomal dominant polycystic kidney disease. Identifiers: Orphanet 730, MedGen C0085413, MONDO:0004691.

Allele frequency attached by ClinVar (database versions not stated): gnomAD 0.00003; TOPMed 0.00007; ESP Exome Variant Server 0.00015.
gnomAD v4.1: 201 of 1,612,510 alleles (0.012%); highest among the groups gnomAD compares: Non-Finnish European, 0.016%; no homozygotes.

Submissions (4):

Labcorp Genetics (formerly Invitae), Labcorp
Classification: Likely benign for Autosomal dominant polycystic kidney disease. Last evaluated: 2026-01-19. Review status: criteria provided, single submitter. Criteria: Invitae Variant Classification Sherloc (09022015). Collection method: clinical testing. Allele origin: germline.

PreventionGenetics, part of Exact Sciences
Classification: Likely benign for PKD2-related condition. Last evaluated: 2022-11-12. Review status: no assertion criteria provided. Collection method: clinical testing. Allele origin: germline. Not counted in ClinVar's aggregate classification.
Comment: This variant is classified as likely benign based on ACMG/AMP sequence variant interpretation guidelines (Richards et al. 2015 PMID: 25741868, with internal and published modifications).

Dr. Peter K. Rogan Lab, Western University
No classification provided (evidence only). Condition: Ovarian serous cystadenocarcinoma. Review status: no classification provided. Collection method: in vitro. Allele origin: not applicable. Functional consequence: retained intron. Not counted in ClinVar's aggregate classification.

Dr. Peter K. Rogan Lab, Western University
No classification provided (evidence only). Condition: Malignant tumor of esophagus. Review status: no classification provided. Collection method: in vitro. Allele origin: not applicable. Functional consequence: retained intron. Not counted in ClinVar's aggregate classification.

NM_000297.4(PKD2):c.1869C>G (p.Val623=)

Gene: PKD2 (polycystin 2, transient receptor potential cation channel; plus strand). Cytogenetic location: 4q22.1.
Variant type: single nucleotide variant.
Coding change: c.1869C>G on transcript NM_000297.4 (MANE Select); coding-DNA position 1869, C replaced by G.
Protein change: p.Val623=; no amino-acid change (valine 623 retained).
Molecular consequence: synonymous variant. On other transcripts: non-coding transcript variant (1).
Genome position (GRCh38, 1-based): chr4:88,056,238, C>G. VCF-style: chr4-88056238-C-G. GRCh37 (hg19) VCF-style: chr4-88977390-C-G.
Identifiers: ClinVar variation 255792 (VCV000255792.12), dbSNP rs148228357, ClinGen allele CA3004061.